The following is an entry in ClinVar:

ClinVar aggregate classification (germline): Uncertain significance. Review status: criteria provided, multiple submitters, no conflicts (2 of 4 stars). 2 submissions from 2 submitters: Uncertain significance (2). Last evaluated 2025-10-13.

Conditions:
Dilated cardiomyopathy 1DD (CMD1DD). Identifiers: Orphanet 154, MedGen C2750995, MONDO:0013168, OMIM 613172.
Cardiovascular phenotype. Identifiers: MedGen CN230736.

gnomAD v4.1: 5 of 1,550,676 alleles (0.00032%); highest among the groups gnomAD compares: Non-Finnish European, 0.00044%; no homozygotes.

Submissions (2):

Labcorp Genetics (formerly Invitae), Labcorp
Classification: Uncertain significance for Dilated cardiomyopathy 1DD. Last evaluated: 2025-10-13. Review status: criteria provided, single submitter. Criteria: Invitae Variant Classification Sherloc (09022015). Collection method: clinical testing. Allele origin: germline.
Comment: This sequence change replaces arginine, which is basic and polar, with leucine, which is neutral and non-polar, at codon 450 of the RBM20 protein (p.Arg450Leu). This variant is not present in population databases (gnomAD no frequency). This variant has not been reported in the literature in individuals affected with RBM20-related conditions. ClinVar contains an entry for this variant (Variation ID: 3313226). Invitae Evidence Modeling of protein sequence and biophysical properties (such as structural, functional, and spatial information, amino acid conservation, physicochemical variation, residue mobility, and thermodynamic stability) indicates that this missense variant is not expected to disrupt RBM20 protein function with a negative predictive value of 95%. In summary, the available evidence is currently insufficient to determine the role of this variant in disease. Therefore, it has been classified as a Variant of Uncertain Significance.

Ambry Genetics
Classification: Uncertain significance for Cardiovascular phenotype. Last evaluated: 2024-04-27. Review status: criteria provided, single submitter. Criteria: Ambry Variant Classification Scheme 2023. Collection method: clinical testing. Allele origin: germline.
Comment: The p.R450L variant (also known as c.1349G>T), located in coding exon 4 of the RBM20 gene, results from a G to T substitution at nucleotide position 1349. The arginine at codon 450 is replaced by leucine, an amino acid with dissimilar properties. This amino acid position is conserved. In addition, this alteration is predicted to be deleterious by in silico analysis. Based on the available evidence, the clinical significance of this variant remains unclear.

NM_001134363.3(RBM20):c.1349G>T (p.Arg450Leu)

Gene: RBM20 (RNA binding motif protein 20; plus strand). Cytogenetic location: 10q25.2.
Variant type: single nucleotide variant.
Coding change: c.1349G>T on transcript NM_001134363.3 (MANE Select); coding-DNA position 1349, G replaced by T.
Protein change: p.Arg450Leu; replaces arginine 450 with leucine.
Molecular consequence: missense variant.
Genome position (GRCh38, 1-based): chr10:110,784,352, G>T. VCF-style: chr10-110784352-G-T. GRCh37 (hg19) VCF-style: chr10-112544110-G-T.
Other names: short protein forms R450L.
Identifiers: ClinVar variation 3313226 (VCV003313226.2).
Genomic context (GRCh38, chr10:110,784,352, plus strand): 5'-CTTTGTTTAACTTATTAAGGAGCCGGTTTCCCTTTCTCGCCCTCTCCAGTGCTGGCATCC[G>T]GTGTATACTTGGTTCGGCAGAGGGAACATTGTGTGCTTCTCCCAACAGCACAGCTGTTTA-3'
Protein context (NP_001127835.2, residues 440-460): CLVFSENAGI[Arg450Leu]CILGSAEGTL